The following is an entry in ClinVar:

ClinVar aggregate classification (germline): Uncertain significance (1 of 4 stars; one submission).

Conditions:
X-linked intellectual disability Cabezas type (MRXSC). Also called: CABEZAS SYNDROME; MENTAL RETARDATION, X-LINKED, SYNDROMIC 15; Intellectual developmental disorder, X-linked syndromic, Cabezas type. Identifiers: Orphanet 85289, Orphanet 85293, MedGen C1845861, MONDO:0010306, OMIM 300354.

Submission:

Victorian Clinical Genetics Services, Murdoch Childrens Research Institute
Classification: Uncertain significance for X-linked intellectual disability Cabezas type. Last evaluated: 2022-09-02. Review status: criteria provided, single submitter. Criteria: ACMG Guidelines, 2015. Collection method: clinical testing. Allele origin: germline. Inheritance: X-linked recessive inheritance. Affected: yes.
Comment: Based on the classification scheme VCGS_Germline_v1.3.4, this variant is classified as a VUS-3A. Following criteria are met: 0102 - Loss of function is a known mechanism of disease in this gene and is associated with Intellectual developmental disorder, X-linked, syndromic, Cabezas type (MIM#300354) (PMID: 25385192). (I) 0109 - This gene is associated with X-linked recessive disease. (I) 0200 - Variant is predicted to result in a missense amino acid change from arginine to isoleucine. (I) 0253 - This variant is hemizygous. (I) 0301 - Variant is absent from gnomAD (both v2 and v3). (SP) 0501 - Missense variant consistently predicted to be damaging by multiple in silico tools or highly conserved with a major amino acid change. (SP) 0600 - Variant is located in the annotated Cullin domain (DECIPHER). (I) 0705 - No comparable missense variants have previous evidence for pathogenicity. (I) 0807 - This variant has no previous evidence of pathogenicity. (I) 0905 - No published segregation evidence has been identified for this variant. (I) 1007 - No published functional evidence has been identified for this variant. (I) 1102 - Strong phenotype match for this individual. (SP) 1208 - Inheritance information for this variant is not currently available in this individual. (I) Legend: (SP) - Supporting pathogenic, (I) - Information, (SB) - Supporting benign

Literature cited by the submitters: PubMed 25385192.

NM_001079872.2(CUL4B):c.881G>T (p.Arg294Ile)

Gene: CUL4B (cullin 4B; minus strand). Cytogenetic location: Xq24.
Variant type: single nucleotide variant.
Coding change: c.881G>T on transcript NM_001079872.2 (MANE Select); coding-DNA position 881, G replaced by T.
Protein change: p.Arg294Ile; replaces arginine 294 with isoleucine.
Molecular consequence: missense variant.
Genome position (GRCh38, 1-based): chrX:120,545,483, C>A on the plus strand (G>T on the coding strand, the complement: CUL4B is on the minus strand). VCF-style: chrX-120545483-C-A. GRCh37 (hg19) VCF-style: chrX-119679338-C-A.
Other names: c.896G>T, p.Arg299Ile (NM_001330624.2); c.347G>T, p.Arg116Ile (NM_001369145.1); c.935G>T, p.Arg312Ile (NM_003588.4); short protein forms R116I, R294I, R299I, R312I.
Identifiers: ClinVar variation 1699195 (VCV001699195.3), dbSNP rs866840262, ClinGen allele CA334125510.